The following is an entry in ClinVar:

NM_000341.4(SLC3A1):c.300C>T (p.Leu100=)

Gene: SLC3A1 (solute carrier family 3 member 1; plus strand). Cytogenetic location: 2p21.
Variant type: single nucleotide variant.
Coding change: c.300C>T on transcript NM_000341.4 (MANE Select); coding-DNA position 300, C replaced by T.
Protein change: p.Leu100=; no amino-acid change (leucine 100 retained).
Molecular consequence: synonymous variant.
Genome position (GRCh38, 1-based): chr2:44,275,835, C>T. VCF-style: chr2-44275835-C-T. GRCh37 (hg19) VCF-style: chr2-44502974-C-T.
Identifiers: ClinVar variation 712263 (VCV000712263.22), dbSNP rs115030299, ClinGen allele CA1640079.

ClinVar aggregate classification (germline): Conflicting classifications of pathogenicity. Review status: criteria provided, conflicting classifications (1 of 4 stars). 6 submissions from 6 submitters: Uncertain significance (1); Benign (1); Likely benign (3). 1 of the submissions does not count toward it. Last evaluated 2026-07-01.

Conditions:
SLC3A1-related disorder. Also called: SLC3A1-related condition.
Cystinuria (CSNU). Also called: CYSTINURIA, TYPE I; CYSTINURIA, TYPE II; CYSTINURIA, TYPE III; Cystinuria, non-type I. Identifiers: Orphanet 214, MedGen C0010691, MONDO:0009067, OMIM 220100, HP:0003131.

Allele frequency attached by ClinVar (database versions not stated): gnomAD exomes 0.00029 and 0.00081; ExAC 0.00101; 1000 Genomes Project 0.00160; 1000 Genomes Project 30x 0.00172; gnomAD 0.00321 and 0.00351; TOPMed 0.00351; ESP Exome Variant Server 0.00377.
gnomAD v4.1: 922 of 1,614,252 alleles (0.057%); highest among the groups gnomAD compares: African/African-American, 1.1%; 7 homozygotes.

Submissions (6):

CeGaT Center for Human Genetics Tuebingen
Classification: Likely benign. Last evaluated: 2026-07-01. Review status: criteria provided, single submitter. Criteria: CeGaT Center For Human Genetics Tuebingen Variant Classification Criteria Version 2. Collection method: clinical testing. Allele origin: germline. Affected: yes. Observed: 1 variant allele.
Comment: SLC3A1: BP4, BP7, BS1

Labcorp Genetics (formerly Invitae), Labcorp
Classification: Benign for Cystinuria. Last evaluated: 2025-10-23. Review status: criteria provided, single submitter. Criteria: Invitae Variant Classification Sherloc (09022015). Collection method: clinical testing. Allele origin: germline.

Blueprint Genetics
Classification: Likely benign. Last evaluated: 2024-10-22. Review status: criteria provided, single submitter. Criteria: ACMG Guidelines, 2015. Collection method: clinical testing. Allele origin: germline.

GeneDx
Classification: Likely benign. Last evaluated: 2020-04-09. Review status: criteria provided, single submitter. Criteria: GeneDx Variant Classification Process June 2021. Collection method: clinical testing. Allele origin: germline. Affected: yes.

Illumina Laboratory Services, Illumina
Classification: Uncertain significance for Cystinuria. Last evaluated: 2018-01-13. Review status: criteria provided, single submitter. Criteria: ICSL Variant Classification Criteria 13 December 2019. Collection method: clinical testing. Allele origin: germline.

PreventionGenetics, part of Exact Sciences
Classification: Benign for SLC3A1-related condition. Last evaluated: 2019-05-15. Review status: no assertion criteria provided. Collection method: clinical testing. Allele origin: germline. Not counted in ClinVar's aggregate classification.
Comment: This variant is classified as benign based on ACMG/AMP sequence variant interpretation guidelines (Richards et al. 2015 PMID: 25741868, with internal and published modifications).